The following is an entry in ClinVar:

ClinVar aggregate classification (germline): Uncertain significance (1 of 4 stars; one submission).

Submission:

Labcorp Genetics (formerly Invitae), Labcorp
Classification: Uncertain significance. Last evaluated: 2025-11-21. Review status: criteria provided, single submitter. Criteria: Invitae Variant Classification Sherloc (09022015). Collection method: clinical testing. Allele origin: germline.
Comment: This sequence change replaces arginine, which is basic and polar, with histidine, which is basic and polar, at codon 4060 of the RNF213 protein (p.Arg4060His). This variant is present in population databases (rs761761703, gnomAD 0.003%). This variant has not been reported in the literature in individuals affected with RNF213-related conditions. Invitae Evidence Modeling of protein sequence and biophysical properties (such as structural, functional, and spatial information, amino acid conservation, physicochemical variation, residue mobility, and thermodynamic stability) indicates that this missense variant is not expected to disrupt RNF213 protein function with a negative predictive value of 95%. In summary, the available evidence is currently insufficient to determine the role of this variant in disease. Therefore, it has been classified as a Variant of Uncertain Significance.

NM_001256071.3(RNF213):c.12179G>A (p.Arg4060His)

Genes: RNF213 (ring finger protein 213; plus strand), RNF213-AS1 (RNF213 antisense RNA 1; minus strand). Cytogenetic location: 17q25.3.
Variant type: single nucleotide variant.
Coding change: c.12179G>A on transcript NM_001256071.3 (MANE Select); coding-DNA position 12179, G replaced by A.
Protein change: p.Arg4060His; replaces arginine 4060 with histidine.
Molecular consequence: missense variant.
Genome position (GRCh38, 1-based): chr17:80,369,525, G>A. VCF-style: chr17-80369525-G-A. GRCh37 (hg19) VCF-style: chr17-78343325-G-A.
Other names: c.12326G>A, p.Arg4109His (NM_001410195.1, NM_020914.5); short protein forms R4060H, R4109H.
Identifiers: ClinVar variation 4803373 (VCV004803373.1).
Genomic context (GRCh38, chr17:80,369,525, plus strand): 5'-ACACCATCCACCTGTCTTCTGTTTCTCGTGTTCTAAGGGAAGCCATTGAAAAGCATGCCC[G>A]CTTCCGGCAGATGTGCAACAGTTTCTTCGTAGACCTGGTGTCCACCATTTGCTTCAAGGA-3'
Protein context (NP_001243000.2, residues 4050-4070): AHREAIEKHA[Arg4060His]FRQMCNSFFV